The following is an entry in ClinVar:

ClinVar aggregate classification (germline): Likely benign. Review status: criteria provided, single submitter (1 of 4 stars). 2 submissions from 2 submitters: Likely benign (1). 1 of the submissions does not count toward it. Last evaluated 2025-11-06.

Conditions:
COL7A1-related disorder. Also called: COL7A1- related disorders; COL7A1-related condition.

Allele frequency attached by ClinVar (database versions not stated): gnomAD exomes below 0.00001 and 0.00001; ExAC 0.00001; gnomAD 0.00003; TOPMed 0.00003.
gnomAD v4.1: 14 of 1,607,384 alleles (0.00087%); highest among the groups gnomAD compares: African/African-American, 0.0013%; no homozygotes.

Submissions (2):

Labcorp Genetics (formerly Invitae), Labcorp
Classification: Likely benign. Last evaluated: 2025-11-06. Review status: criteria provided, single submitter. Criteria: Invitae Variant Classification Sherloc (09022015). Collection method: clinical testing. Allele origin: germline.

PreventionGenetics, part of Exact Sciences
Classification: Likely benign for COL7A1-related condition. Last evaluated: 2019-03-25. Review status: no assertion criteria provided. Collection method: clinical testing. Allele origin: germline. Not counted in ClinVar's aggregate classification.
Comment: This variant is classified as likely benign based on ACMG/AMP sequence variant interpretation guidelines (Richards et al. 2015 PMID: 25741868, with internal and published modifications).

NM_000094.4(COL7A1):c.3213T>C (p.Ala1071=)

Gene: COL7A1 (collagen type VII alpha 1 chain; minus strand). Cytogenetic location: 3p21.31.
Variant type: single nucleotide variant.
Coding change: c.3213T>C on transcript NM_000094.4 (MANE Select); coding-DNA position 3213, T replaced by C.
Protein change: p.Ala1071=; no amino-acid change (alanine 1071 retained).
Molecular consequence: synonymous variant.
Genome position (GRCh38, 1-based): chr3:48,587,035, A>G on the plus strand (T>C on the coding strand, the complement: COL7A1 is on the minus strand). VCF-style: chr3-48587035-A-G. GRCh37 (hg19) VCF-style: chr3-48624468-A-G.
Other names: c.3213T>C (NM_000094.3).
Identifiers: ClinVar variation 1596410 (VCV001596410.10), dbSNP rs774363321, ClinGen allele CA2380597.